The following is an entry in ClinVar:

ClinVar aggregate classification (germline): Uncertain significance (1 of 4 stars; one submission).

Conditions:
Immunodeficiency 39 (IMD39). Identifiers: Orphanet 574918, MedGen C4225358, MONDO:0014597, OMIM 616345.

Submission:

Labcorp Genetics (formerly Invitae), Labcorp
Classification: Uncertain significance for Immunodeficiency 39. Last evaluated: 2025-10-26. Review status: criteria provided, single submitter. Criteria: Invitae Variant Classification Sherloc (09022015). Collection method: clinical testing. Allele origin: germline.
Comment: This sequence change falls in intron 2 of the IRF7 gene. It does not directly change the encoded amino acid sequence of the IRF7 protein. It affects a nucleotide within the consensus splice site. This variant is present in population databases (no rsID available, gnomAD 0.01%). This variant has not been reported in the literature in individuals affected with IRF7-related conditions. ClinVar contains an entry for this variant (Variation ID: 958613). Variants that disrupt the consensus splice site are a relatively common cause of aberrant splicing (PMID: 17576681, 9536098). Algorithms developed to predict the effect of sequence changes on RNA splicing suggest that this variant is not likely to affect RNA splicing. In summary, the available evidence is currently insufficient to determine the role of this variant in disease. Therefore, it has been classified as a Variant of Uncertain Significance.

Literature cited by the submitters: PubMed 17576681; PubMed 9536098.

NM_001572.5(IRF7):c.395-10TC[3]

Gene: IRF7 (interferon regulatory factor 7; minus strand). Cytogenetic location: 11p15.5.
Variant type: Microsatellite.
Coding change: c.395-10TC[3] on transcript NM_001572.5 (MANE Select); three copies in a row of the 2-base unit TC starting at c.395-10; the reference has four copies in a row; one copy, 2 bases deleted.
Molecular consequence: intron variant.
Genome position (GRCh38, 1-based): chr11:614,537-614,538, GA deleted on the plus strand (TC on the coding strand, the reverse complement: IRF7 is on the minus strand); deleting any 2 consecutive bases within chr11:614,537-614,544 gives the same sequence; the position shown is the placement nearest the transcript's 3' end. VCF-style (leftmost placement, unchanged base first): chr11-614536-TGA-T. GRCh37 (hg19) VCF-style: chr11-614536-TGA-T.
Other names: c.395-10TC[3] (NM_004029.4); c.434-10TC[3] (NM_004031.4).
Identifiers: ClinVar variation 958613 (VCV000958613.9), dbSNP rs1447997022, ClinGen allele CA597020223.